The following is an entry in ClinVar:

ClinVar aggregate classification (germline): Uncertain significance. Review status: criteria provided, multiple submitters, no conflicts (2 of 4 stars). 2 submissions from 2 submitters: Uncertain significance (2). Last evaluated 2025-06-27.

Conditions:
Inborn genetic diseases. Identifiers: MedGen C0950123, MeSH D030342.
Aortic valve disease 2 (AOVD2). Identifiers: MedGen C3542024, MONDO:0013902, OMIM 614823.

Allele frequency attached by ClinVar (database versions not stated): gnomAD exomes 0.00002; TOPMed 0.00002; gnomAD 0.00004; ExAC 0.00025.

Submissions (2):

Labcorp Genetics (formerly Invitae), Labcorp
Classification: Uncertain significance for Aortic valve disease 2. Last evaluated: 2025-06-27. Review status: criteria provided, single submitter. Criteria: Invitae Variant Classification Sherloc (09022015). Collection method: clinical testing. Allele origin: germline.
Comment: This sequence change replaces glutamic acid, which is acidic and polar, with glycine, which is neutral and non-polar, at codon 24 of the SMAD6 protein (p.Glu24Gly). This variant is present in population databases (rs752328938, gnomAD 0.006%). This variant has not been reported in the literature in individuals affected with SMAD6-related conditions. ClinVar contains an entry for this variant (Variation ID: 1757641). An algorithm developed to predict the effect of missense changes on protein structure and function (PolyPhen-2) suggests that this variant is likely to be tolerated. In summary, the available evidence is currently insufficient to determine the role of this variant in disease. Therefore, it has been classified as a Variant of Uncertain Significance.

Ambry Genetics
Classification: Uncertain significance for Inborn genetic diseases. Last evaluated: 2025-06-25. Review status: criteria provided, single submitter. Criteria: Ambry Variant Classification Scheme 2023. Collection method: clinical testing. Allele origin: germline.

NM_005585.5(SMAD6):c.71A>G (p.Glu24Gly)

Gene: SMAD6 (SMAD family member 6; plus strand). Cytogenetic location: 15q22.31.
Variant type: single nucleotide variant.
Coding change: c.71A>G on transcript NM_005585.5 (MANE Select); coding-DNA position 71, A replaced by G.
Protein change: p.Glu24Gly; replaces glutamic acid 24 with glycine.
Molecular consequence: missense variant. On other transcripts: non-coding transcript variant (1).
Genome position (GRCh38, 1-based): chr15:66,703,329, A>G. VCF-style: chr15-66703329-A-G. GRCh37 (hg19) VCF-style: chr15-66995667-A-G.
Other names: short protein forms E24G.
Identifiers: ClinVar variation 1757641 (VCV001757641.9), dbSNP rs752328938, ClinGen allele CA7626422.
Genomic context (GRCh38, chr15:66,703,329, plus strand): 5'-CCAAACGCTCGGGGCTGGTGCGGCGACTTTGGCGAAGTCGTGTGGTCCCCGACCGGGAGG[A>G]AGGCGGCAGCGGCGGCGGCGGTGGCGGCGACGAGGATGGGAGCTTGGGCAGCCGAGCTGA-3'
Protein context (NP_005576.3, residues 14-34): WRSRVVPDRE[Glu24Gly]GGSGGGGGGD